The following is an entry in ClinVar:

NM_001039803.3(CDK20):c.955dup (p.His319fs)

Gene: CDK20 (cyclin dependent kinase 20; minus strand). Cytogenetic location: 9q22.1.
Variant type: Duplication.
Coding change: c.955dup on transcript NM_001039803.3 (MANE Select); coding-DNA position 955, one base duplicated (C; older notation c.955dupC).
Protein change: p.His319fs; shifts the reading frame from histidine 319.
Molecular consequence: frameshift variant. On other transcripts: 3 prime UTR variant (2).
Genome position (GRCh38, 1-based): chr9:87,967,548, G duplicated on the plus strand (C on the coding strand, the reverse complement: CDK20 is on the minus strand); the first of 7 consecutive G bases (chr9:87,967,548-87,967,554); duplicating any one gives the same sequence. VCF-style (leftmost placement, unchanged base first): chr9-87967547-T-TG. GRCh37 (hg19) VCF-style: chr9-90582462-T-TG.
Other names: c.*36dup (NM_001170639.2, NM_001170640.2); c.892dup, p.His298fs (NM_012119.5); c.931dup, p.His311fs (NM_178432.4); short protein forms H298fs, H311fs, H319fs.
Identifiers: ClinVar variation 4852900 (VCV004852900.1).

ClinVar aggregate classification (germline): Uncertain significance (1 of 4 stars; one submission).

Submission:

Care4Rare-SOLVE, CHEO
Classification: Uncertain significance. Last evaluated: 2026-05-29. Review status: criteria provided, single submitter. Criteria: ACMG Guidelines, 2015. Collection method: clinical testing. Allele origin: biparental. Inheritance: Autosomal recessive inheritance. Affected: yes.
Comment: The c.955dup variant is rare in gnomAD v4.1 (38/1,553,256 alleles; AF=0.0024%) with no homozygotes. This frameshift variant is in the last exon of CDK20 and is unlikely to cause nonsense-mediated decay but is predicted to result in early truncation, before the final 27 amino acids of the protein.